The following is an entry in ClinVar:

ClinVar aggregate classification (germline): Uncertain significance (1 of 4 stars; one submission).

Conditions:
Christianson syndrome (MRXSCH). Also called: SLC9A6-Related Syndromic Mental Retardation; X-linked mental retardation, syndromic, Christianson type; INTELLECTUAL DEVELOPMENTAL DISORDER, X-LINKED, SYNDROMIC, CHRISTIANSON TYPE. Identifiers: Orphanet 85278, MedGen C2678194, MONDO:0010278, OMIM 300243.

Submission:

3billion
Classification: Uncertain significance for Christianson syndrome. Last evaluated: 2026-01-09. Review status: criteria provided, single submitter. Criteria: ACMG Guidelines, 2015. Collection method: clinical testing. Allele origin: germline. Affected: yes.
Comment: The variant is not observed in the gnomAD v4.1.0 dataset. Predicted Consequence/Location: Missense variant In silico tool predictions suggest damaging effect of the variant on gene or gene product [REVEL: 0.61 (>=0.6, sensitivity 0.68 and specificity 0.92)]. Different missense changes at the same codon have been reported as of uncertain significance (ClinVar ID: VCV002776514, VCV001359187). Therefore, this variant is classified as VUS according to the recommendation of ACMG/AMP guideline.

NM_001379110.1(SLC9A6):c.533T>G (p.Met178Arg)

Gene: SLC9A6 (solute carrier family 9 member A6; plus strand). Cytogenetic location: Xq26.3.
Variant type: single nucleotide variant.
Coding change: c.533T>G on transcript NM_001379110.1 (MANE Select); coding-DNA position 533, T replaced by G.
Protein change: p.Met178Arg; replaces methionine 178 with arginine.
Molecular consequence: missense variant.
Genome position (GRCh38, 1-based): chrX:135,998,864, T>G. VCF-style: chrX-135998864-T-G. GRCh37 (hg19) VCF-style: chrX-135081023-T-G.
Other names: c.689T>G, p.Met230Arg (NM_001042537.2, NM_001438742.1); c.533T>G, p.Met178Arg (NM_001177651.2, NM_001400909.1, NM_001400910.1 and 2 more transcripts); c.437T>G, p.Met146Arg (NM_001330652.2, NM_001400913.1); c.593T>G, p.Met198Arg (NM_006359.3); short protein forms M146R, M178R, M198R, M230R.
Identifiers: ClinVar variation 4854397 (VCV004854397.1).
Genomic context (GRCh38, chrX:135,998,864, plus strand): 5'-TTTTTTAACAGTTGATATTTTTTTCTAAAGTAGGACTGTGTTTATTGAACAGGTCAATAA[T>G]GTATGGCTGTGTAACGCTGATGAAGGTAACGGGACAACTTGCAGGAGATTTTTACTTTAC-3'
Protein context (NP_001366039.1, residues 168-188): AISCFVIGSI[Met178Arg]YGCVTLMKVT